The following is an entry in ClinVar:

ClinVar aggregate classification (germline): Benign. Review status: criteria provided, multiple submitters, no conflicts (2 of 4 stars). 2 submissions from 2 submitters: Benign (2). Last evaluated 2018-06-14.

Allele frequency attached by ClinVar (database versions not stated): gnomAD exomes 0.01029; 1000 Genomes Project 30x 0.01515; 1000 Genomes Project 0.01518; gnomAD 0.02129 and 0.02247; TOPMed 0.02323.
gnomAD v4.1: 9,209 of 727,060 alleles (1.3%); highest among the groups gnomAD compares: African/African-American, 5.2%; 130 homozygotes.

Submissions (2):

GeneDx
Classification: Benign. Last evaluated: 2018-06-14. Review status: criteria provided, single submitter. Criteria: GeneDx Variant Classification (06012015). Collection method: clinical testing. Allele origin: germline. Affected: yes.
Comment: This variant is considered likely benign or benign based on one or more of the following criteria: it is a conservative change, it occurs at a poorly conserved position in the protein, it is predicted to be benign by multiple in silico algorithms, and/or has population frequency not consistent with disease.

Breakthrough Genomics
Classification: Benign. Review status: criteria provided, single submitter. Criteria: ACMG Guidelines, 2015. Collection method: not provided. Allele origin: germline. Inheritance: Autosomal recessive inheritance. Affected: yes.

NM_014236.4(GNPAT):c.1279+126G>A

Gene: GNPAT (glyceronephosphate O-acyltransferase; plus strand). Cytogenetic location: 1q42.2.
Variant type: single nucleotide variant.
Coding change: c.1279+126G>A on transcript NM_014236.4 (MANE Select); 126 bases into the intron after coding-DNA position 1279, G replaced by A.
Molecular consequence: intron variant.
Genome position (GRCh38, 1-based): chr1:231,268,029, G>A. VCF-style: chr1-231268029-G-A. GRCh37 (hg19) VCF-style: chr1-231403775-G-A.
Other names: c.1096+126G>A (NM_001316350.2).
Identifiers: ClinVar variation 671170 (VCV000671170.2), dbSNP rs112792114, ClinGen allele CA38979294.